The following is an entry in ClinVar:

ClinVar aggregate classification (germline): Likely benign. Review status: criteria provided, multiple submitters, no conflicts (2 of 4 stars). 3 submissions from 3 submitters: Likely benign (3). Last evaluated 2020-04-18.

Conditions:
Cardiomyopathy (CMYO). Also called: Cardiomyopathies. Identifiers: Orphanet 167848, MedGen C0878544, MONDO:0004994, HP:0001638. Inheritance: Various modes of inheritance.
Catecholaminergic polymorphic ventricular tachycardia 1. Also called: RYR2-Related Catecholaminergic Polymorphic Ventricular Tachycardia; VENTRICULAR TACHYCARDIA, CATECHOLAMINERGIC POLYMORPHIC, 1, WITH OR WITHOUT ATRIAL DYSFUNCTION AND/OR DILATED CARDIOMYOPATHY; VENTRICULAR TACHYCARDIA, STRESS-INDUCED POLYMORPHIC 1. Identifiers: Orphanet 3286, MedGen C1631597, MONDO:0011484, OMIM 604772.

Allele frequency attached by ClinVar (database versions not stated): gnomAD exomes below 0.00001.
gnomAD v4.1: 4 of 1,612,850 alleles (0.00025%); highest among the groups gnomAD compares: Non-Finnish European, 0.00034%; no homozygotes.

Submissions (3):

Labcorp Genetics (formerly Invitae), Labcorp
Classification: Likely benign for Catecholaminergic polymorphic ventricular tachycardia 1. Last evaluated: 2020-04-18. Review status: criteria provided, single submitter. Criteria: Invitae Variant Classification Sherloc (09022015). Collection method: clinical testing. Allele origin: germline.

Color Diagnostics, LLC DBA Color Health
Classification: Likely benign for Cardiomyopathy. Last evaluated: 2019-07-26. Review status: criteria provided, single submitter. Criteria: ACMG Guidelines, 2015. Collection method: clinical testing. Allele origin: germline.

GeneDx
Classification: Likely benign. Last evaluated: 2018-01-16. Review status: criteria provided, single submitter. Criteria: GeneDx Variant Classification (06012015). Collection method: clinical testing. Allele origin: germline. Affected: yes.
Comment: This variant is considered likely benign or benign based on one or more of the following criteria: it is a conservative change, it occurs at a poorly conserved position in the protein, it is predicted to be benign by multiple in silico algorithms, and/or has population frequency not consistent with disease.

NM_001035.3(RYR2):c.9807C>T (p.Asn3269=)

Gene: RYR2 (ryanodine receptor 2; plus strand). Cytogenetic location: 1q43.
Variant type: single nucleotide variant.
Coding change: c.9807C>T on transcript NM_001035.3 (MANE Select); coding-DNA position 9807, C replaced by T.
Protein change: p.Asn3269=; no amino-acid change (asparagine 3269 retained).
Molecular consequence: synonymous variant.
Genome position (GRCh38, 1-based): chr1:237,707,175, C>T. VCF-style: chr1-237707175-C-T. GRCh37 (hg19) VCF-style: chr1-237870475-C-T.
Other names: c.9807C>T, p.Asn3269= (LRG_402t1).
Identifiers: ClinVar variation 514760 (VCV000514760.13), dbSNP rs1553293326, ClinGen allele CA424031791.
Genomic context (GRCh38, chr1:237,707,175, plus strand): 5'-GTGGGAGCATGGACCTGAGAACAATCCAGAACGGGCCGAGATGTGCTGCACAGCCCTGAA[C>T]TCAGAGCACATGAACACACTTCTAGGGAACATATTGAAAATCATATATAATAACTTGGGG-3'
Protein context (NP_001026.2, residues 3259-3279): ERAEMCCTAL[Asn3269=]SEHMNTLLGN